The following is an entry in ClinVar:

NM_001199397.3(NEK1):c.2662A>T (p.Ile888Leu)

Genes: NEK1 (NIMA related kinase 1; minus strand), LOC129993365 (ATAC-STARR-seq lymphoblastoid silent region 15794; plus strand). Cytogenetic location: 4q33.
Variant type: single nucleotide variant.
Coding change: c.2662A>T on transcript NM_001199397.3 (MANE Select); coding-DNA position 2662, A replaced by T.
Protein change: p.Ile888Leu; replaces isoleucine 888 with leucine.
Molecular consequence: missense variant. On other transcripts: non-coding transcript variant (1), intron variant (5).
Genome position (GRCh38, 1-based): chr4:169,438,185, T>A on the plus strand (A>T on the coding strand, the complement: NEK1 is on the minus strand). VCF-style: chr4-169438185-T-A. GRCh37 (hg19) VCF-style: chr4-170359336-T-A.
Other names: c.1957A>T, p.Ile653Leu (NM_001440624.1); c.1825A>T, p.Ile609Leu (NM_001440625.1); c.2578A>T, p.Ile860Leu (NM_012224.4, NM_001374419.1); c.2282-4520A>T (NM_001374421.1); c.2372-4520A>T (NM_001440623.1); c.2456-4520A>T (NM_001440622.1); c.2504-4520A>T (NM_001440621.1); c.2588-4520A>T (NM_001440620.1); and 5 more; short protein forms I609L, I653L, I791L, I816L, I843L, I844L, I860L, I888L.
Identifiers: ClinVar variation 4808251 (VCV004808251.1).

ClinVar aggregate classification (germline): Uncertain significance (1 of 4 stars; one submission).

Conditions:
Short-rib thoracic dysplasia 6 with or without polydactyly (SRTD6). Also called: SHORT RIB-POLYDACTYLY SYNDROME, TYPE IIA; SHORT-RIB THORACIC DYSPLASIA 6 WITHOUT POLYDACTYLY; POLYDACTYLY WITH NEONATAL CHONDRODYSTROPHY, TYPE II; Majewski Syndrome; SHORT-RIB THORACIC DYSPLASIA 6 WITH POLYDACTYLY. Identifiers: MedGen C0024507, MONDO:0009894, OMIM 263520.

gnomAD v4.1: 4 of 1,598,048 alleles (0.00025%); highest among the groups gnomAD compares: Non-Finnish European, 0.000085%; no homozygotes.

Submission:

Labcorp Genetics (formerly Invitae), Labcorp
Classification: Uncertain significance for Short-rib thoracic dysplasia 6 with or without polydactyly. Last evaluated: 2025-02-18. Review status: criteria provided, single submitter. Criteria: Invitae Variant Classification Sherloc (09022015). Collection method: clinical testing. Allele origin: germline.
Comment: This sequence change replaces isoleucine, which is neutral and non-polar, with leucine, which is neutral and non-polar, at codon 860 of the NEK1 protein (p.Ile860Leu). This variant is not present in population databases (gnomAD no frequency). This variant has not been reported in the literature in individuals affected with NEK1-related conditions. Invitae Evidence Modeling of protein sequence and biophysical properties (such as structural, functional, and spatial information, amino acid conservation, physicochemical variation, residue mobility, and thermodynamic stability) indicates that this missense variant is not expected to disrupt NEK1 protein function with a negative predictive value of 80%. In summary, the available evidence is currently insufficient to determine the role of this variant in disease. Therefore, it has been classified as a Variant of Uncertain Significance.